The following is an entry in ClinVar:

ClinVar aggregate classification (germline): Uncertain significance (1 of 4 stars; one submission).

Submission:

GeneDx
Classification: Uncertain significance. Last evaluated: 2024-02-06. Review status: criteria provided, single submitter. Criteria: GeneDx Variant Classification Process June 2021. Collection method: clinical testing. Allele origin: germline. Affected: yes.
Comment: Not observed at significant frequency in large population cohorts (gnomAD); In silico analysis supports that this missense variant does not alter protein structure/function; Has not been previously published as pathogenic or benign to our knowledge

NM_006947.4(SRP72):c.1739T>A (p.Met580Lys)

Gene: SRP72 (signal recognition particle 72; plus strand). Cytogenetic location: 4q12.
Variant type: single nucleotide variant.
Coding change: c.1739T>A on transcript NM_006947.4 (MANE Select); coding-DNA position 1739, T replaced by A.
Protein change: p.Met580Lys; replaces methionine 580 with lysine.
Molecular consequence: missense variant. On other transcripts: non-coding transcript variant (1).
Genome position (GRCh38, 1-based): chr4:56,500,596, T>A. VCF-style: chr4-56500596-T-A. GRCh37 (hg19) VCF-style: chr4-57366762-T-A.
Other names: c.1556T>A, p.Met519Lys (NM_001267722.2); short protein forms M519K, M580K.
Identifiers: ClinVar variation 3368870 (VCV003368870.1).
Genomic context (GRCh38, chr4:56,500,596, plus strand): 5'-GAAAATTGCCTAAGAATTATGACCCAAAAGTTACCCCAGATCCAGAAAGATGGCTGCCAA[T>A]GCGAGAACGTTCTTACTACCGGGGAAGAAAGAAGGGTAAAAAGAAGGATCAGATTGGAAA-3'
Protein context (NP_008878.3, residues 570-590): VTPDPERWLP[Met580Lys]RERSYYRGRK